The following is an entry in ClinVar:

NM_007272.3(CTRC):c.380T>C (p.Leu127Pro)

Gene: CTRC (chymotrypsin C; plus strand). Cytogenetic location: 1p36.21.
Variant type: single nucleotide variant.
Coding change: c.380T>C on transcript NM_007272.3 (MANE Select); coding-DNA position 380, T replaced by C.
Protein change: p.Leu127Pro; replaces leucine 127 with proline.
Molecular consequence: missense variant.
Genome position (GRCh38, 1-based): chr1:15,443,442, T>C. VCF-style: chr1-15443442-T-C. GRCh37 (hg19) VCF-style: chr1-15769937-T-C.
Other names: short protein forms L127P.
Identifiers: ClinVar variation 4826379 (VCV004826379.1).

ClinVar aggregate classification (germline): Uncertain significance (1 of 4 stars; one submission).

Conditions:
Hereditary pancreatitis (PCTT). Also called: Hereditary chronic pancreatitis; PRSS1-Related Hereditary Pancreatitis. Identifiers: Orphanet 676, MedGen C0238339, MONDO:0008185, OMIM 167800.

gnomAD v4.1: 1 of 1,614,234 alleles (0.000062%); highest among the groups gnomAD compares: South Asian, 0.0011%; no homozygotes.

Submission:

Ambry Genetics
Classification: Uncertain significance for Hereditary pancreatitis. Last evaluated: 2026-03-09. Review status: criteria provided, single submitter. Criteria: Ambry Variant Classification Scheme 2023. Collection method: clinical testing. Allele origin: germline.
Comment: The p.L127P variant (also known as c.380T>C), located in coding exon 5 of the CTRC gene, results from a T to C substitution at nucleotide position 380. The leucine at codon 127 is replaced by proline, an amino acid with similar properties. This amino acid position is conserved. In addition, this alteration is predicted to be deleterious by in silico analysis. Based on the available evidence, the clinical significance of this variant remains unclear.